The following is an entry in ClinVar:

NM_015474.4(SAMHD1):c.779del (p.Ile260fs)

Gene: SAMHD1 (SAM and HD domain containing deoxynucleoside triphosphate triphosphohydrolase 1; minus strand). Cytogenetic location: 20q11.23.
Variant type: Deletion.
Coding change: c.779del on transcript NM_015474.4 (MANE Select); coding-DNA position 779, one base deleted (T; older notation c.779delT).
Protein change: p.Ile260fs; shifts the reading frame from isoleucine 260.
Molecular consequence: frameshift variant.
Genome position (GRCh38, 1-based): chr20:36,919,437, A deleted on the plus strand (T on the coding strand, the reverse complement: SAMHD1 is on the minus strand). VCF-style (leftmost placement, unchanged base first): chr20-36919436-GA-G. GRCh37 (hg19) VCF-style: chr20-35547839-GA-G.
Other names: c.779del, p.Ile260fs (NM_001363729.2, NM_001363733.2); short protein forms I260fs.
Identifiers: ClinVar variation 2775768 (VCV002775768.3), dbSNP rs1341219224, ClinGen allele CA635407621.

ClinVar aggregate classification (germline): Pathogenic (1 of 4 stars; one submission).

Conditions:
Aicardi-Goutieres syndrome 5. Identifiers: Orphanet 51, MedGen C2749659, MONDO:0013059, OMIM 612952.

Allele frequency attached by ClinVar (database versions not stated): TOPMed below 0.00001; gnomAD 0.00001.

Submission:

Labcorp Genetics (formerly Invitae), Labcorp
Classification: Pathogenic for Aicardi-Goutieres syndrome 5. Last evaluated: 2024-01-05. Review status: criteria provided, single submitter. Criteria: Invitae Variant Classification Sherloc (09022015). Collection method: clinical testing. Allele origin: germline.
Comment: This sequence change creates a premature translational stop signal (p.Ile260Thrfs*9) in the SAMHD1 gene. It is expected to result in an absent or disrupted protein product. Loss-of-function variants in SAMHD1 are known to be pathogenic (PMID: 19525956, 22461318). This variant is present in population databases (no rsID available, gnomAD 0.01%). This variant has not been reported in the literature in individuals affected with SAMHD1-related conditions. For these reasons, this variant has been classified as Pathogenic.

Literature cited by the submitters: PubMed 19525956; PubMed 22461318.